The following is an entry in ClinVar:

NM_022841.7(RFX7):c.2841ACCCAC[2] (p.948PT[7])

Gene: RFX7 (regulatory factor X7; minus strand). Cytogenetic location: 15q21.3.
Variant type: Microsatellite.
Coding change: c.2841ACCCAC[2] on transcript NM_022841.7 (MANE Select); two copies in a row of the 6-base unit ACCCAC starting at c.2841; the reference has four copies in a row; two copies, 12 bases deleted.
Protein change: p.948PT[7].
Molecular consequence: inframe deletion.
Genome position (GRCh38, 1-based): chr15:56,094,864-56,094,875, GTGGGTGTGGGT deleted on the plus strand (ACCCACACCCAC on the coding strand, the reverse complement: RFX7 is on the minus strand); deleting any 12 consecutive bases within chr15:56,094,864-56,094,890 gives the same sequence; the position shown is the placement nearest the transcript's 3' end. VCF-style (leftmost placement, unchanged base first): chr15-56094863-AGTGGGTGTGGGT-A. GRCh37 (hg19) VCF-style: chr15-56387061-AGTGGGTGTGGGT-A.
Other names: c.2550ACCCAC[2], p.851PT[7] (NM_001368073.2, NM_001368074.1, NM_001370554.1); c.2841ACCCAC[2], p.948PT[7] (NM_001370561.1).
Identifiers: ClinVar variation 2350519 (VCV002350519.26), dbSNP rs551989191, ClinGen allele CA7578056.

ClinVar aggregate classification (germline): Likely benign. Review status: criteria provided, multiple submitters, no conflicts (2 of 4 stars). 2 submissions from 2 submitters: Likely benign (2). Last evaluated 2026-09-01.

Conditions:
Inborn genetic diseases. Identifiers: MedGen C0950123, MeSH D030342.

Submissions (2):

CeGaT Center for Human Genetics Tuebingen
Classification: Likely benign. Last evaluated: 2026-09-01. Review status: criteria provided, single submitter. Criteria: CeGaT Center For Human Genetics Tuebingen Variant Classification Criteria Version 2. Collection method: clinical testing. Allele origin: germline. Affected: yes. Observed: 4 variant alleles.
Comment: RFX7: BS2

Ambry Genetics
Classification: Likely benign for Inborn genetic diseases. Last evaluated: 2022-01-27. Review status: criteria provided, single submitter. Criteria: Ambry Variant Classification Scheme 2023. Collection method: clinical testing. Allele origin: germline.